The following is an entry in ClinVar:

ClinVar aggregate classification (germline): Conflicting classifications of pathogenicity. Review status: criteria provided, conflicting classifications (1 of 4 stars). 6 submissions from 6 submitters: Uncertain significance (1); Benign (2); Likely benign (2). 1 of the submissions does not count toward it. Last evaluated 2025-11-25.

Conditions:
Hereditary pancreatitis (PCTT). Also called: Hereditary chronic pancreatitis; PRSS1-Related Hereditary Pancreatitis. Identifiers: Orphanet 676, MedGen C0238339, MONDO:0008185, OMIM 167800.

Allele frequency attached by ClinVar (database versions not stated): gnomAD exomes 0.04776; 1000 Genomes Project 30x 0.30871; ExAC 0.03544.

Submissions (8):

Labcorp Genetics (formerly Invitae), Labcorp
Classification: Benign for Hereditary pancreatitis. Last evaluated: 2025-11-25. Review status: criteria provided, single submitter. Criteria: Invitae Variant Classification Sherloc (09022015). Collection method: clinical testing. Allele origin: germline.

Women's Health and Genetics/Laboratory Corporation of America, LabCorp
Classification: Likely benign. Last evaluated: 2025-07-01. Review status: criteria provided, single submitter. Criteria: LabCorp Variant Classification Summary - May 2015. Collection method: clinical testing. Allele origin: germline.
Comment: Variant summary: PRSS1 c.161A>G (p.Asn54Ser) results in a conservative amino acid change in the encoded protein sequence. Algorithms developed to predict the effect of missense changes on protein structure and function are either unavailable or do not agree on the potential impact of this missense change. The variant allele was found at a frequency of 0.049 in 1008258 control chromosomes. The observed variant frequency is approximately 194 fold of the estimated maximal expected allele frequency for a pathogenic variant in PRSS1 causing Chronic Pancreatitis phenotype (0.00025). c.161A>G has been observed in individual(s) affected with Chronic Pancreatitis, however it was part of a PRSS1/PRSS2 hybrid gene created by gene conversion and was in cis with a known pathogenic variant, p.N29I (e.g. Teich_2005). Functional experiments indicated that the N29I mutation was solely responsible for the phenotypic change, resulting in the same level of increased susceptibility for spontaneous activation to trypsin as the double mutant, and found that N54S alone had no effect on the autocatalytic activation of cationic trypsinogen (e.g. Teich_2005). The following publication has been ascertained in the context of this evaluation (PMID: 15776435). ClinVar contains an entry for this variant (Variation ID: 11881). Based on the evidence outlined above, the variant was classified as likely benign.

Department of Pathology and Laboratory Medicine, Sinai Health System
Classification: Uncertain significance for Hereditary pancreatitis. Last evaluated: 2023-03-02. Review status: criteria provided, single submitter. Criteria: ACMG Guidelines, 2015. Collection method: research. Allele origin: germline.

Mendelics
Classification: Benign for Hereditary pancreatitis. Last evaluated: 2019-05-28. Review status: criteria provided, single submitter. Criteria: Mendelics Assertion Criteria 2017. Collection method: clinical testing. Allele origin: unknown.

Ambry Genetics
Classification: Likely benign for Hereditary pancreatitis. Last evaluated: 2015-03-14. Review status: criteria provided, single submitter. Criteria: Ambry Variant Classification Scheme 2023. Collection method: clinical testing. Allele origin: germline.

OMIM
Classification: Pathogenic for PANCREATITIS, HEREDITARY. Last evaluated: 2005-04-01. Review status: no assertion criteria provided. Collection method: literature only. Allele origin: germline. Not counted in ClinVar's aggregate classification.

Dr. Peter K. Rogan Lab, Western University
No classification provided (evidence only). Condition: Acute myeloid leukemia. Review status: no classification provided. Collection method: in vitro. Allele origin: not applicable. Functional consequence: retained intron. Not counted in ClinVar's aggregate classification.

Dr. Peter K. Rogan Lab, Western University
No classification provided (evidence only). Condition: Nonpapillary renal cell carcinoma. Review status: no classification provided. Collection method: in vitro. Allele origin: not applicable. Functional consequence: retained intron. Not counted in ClinVar's aggregate classification.

Literature cited by the submitters: PubMed 15776435 (cited by Women's Health and Genetics/Laboratory Corporation of America, LabCorp and OMIM).

NM_002769.5(PRSS1):c.161A>G (p.Asn54Ser)

Genes: PRSS1 (serine protease 1; plus strand), TRB (T cell receptor beta locus; plus strand). Cytogenetic location: 7q34.
Variant type: single nucleotide variant.
Coding change: c.161A>G on transcript NM_002769.5 (MANE Select); coding-DNA position 161, A replaced by G.
Protein change: p.Asn54Ser; replaces asparagine 54 with serine.
Molecular consequence: missense variant.
Genome position (GRCh38, 1-based): chr7:142,750,675, A>G. VCF-style: chr7-142750675-A-G. GRCh37 (hg19) VCF-style: chr7-142458526-A-G.
Other names: short protein forms N54S.
Identifiers: ClinVar variation 11881 (VCV000011881.17), dbSNP rs144422014, ClinGen allele CA256108.